The following is an entry in ClinVar:

NM_002272.4(KRT4):c.31G>A (p.Gly11Arg)

Gene: KRT4 (keratin 4; minus strand). Cytogenetic location: 12q13.13.
Variant type: single nucleotide variant.
Coding change: c.31G>A on transcript NM_002272.4 (MANE Select); coding-DNA position 31, G replaced by A.
Protein change: p.Gly11Arg; replaces glycine 11 with arginine.
Molecular consequence: missense variant.
Genome position (GRCh38, 1-based): chr12:52,814,028, C>T on the plus strand (G>A on the coding strand, the complement: KRT4 is on the minus strand). VCF-style: chr12-52814028-C-T. GRCh37 (hg19) VCF-style: chr12-53207812-C-T.
Other names: short protein forms G11R.
Identifiers: ClinVar variation 881698 (VCV000881698.7), dbSNP rs371421345, ClinGen allele CA6588863.
Genomic context (GRCh38, chr12:52,814,028, plus strand): 5'-TGAAGGCACCTCTCTTGCCACCGCCTACAATGGCCGAGCCACAGCTGAAGCCCCGGGGCC[C>T]GCCTCGGACACACTGCTGTCTGGCAATCATGGCTGCAGAGAGCGAGCTGGGAGCTATCAG-3'
Protein context (NP_002263.3, residues 1-21): MIARQQCVRG[Gly11Arg]PRGFSCGSAI

ClinVar aggregate classification (germline): Conflicting classifications of pathogenicity. Review status: criteria provided, conflicting classifications (1 of 4 stars). 2 submissions from 2 submitters: Uncertain significance (1); Benign (1). Last evaluated 2024-09-11.

Conditions:
White sponge nevus 1. Also called: LEUKOKERATOSIS, HEREDITARY MUCOSAL. Identifiers: MedGen C4011926, MONDO:0008676, OMIM 193900.
Inborn genetic diseases. Identifiers: MedGen C0950123, MeSH D030342.

Allele frequency attached by ClinVar (database versions not stated): gnomAD 0.00007 and 0.00008; ESP Exome Variant Server 0.00008; gnomAD exomes 0.00010 and 0.00020; TOPMed 0.00014; ExAC 0.00015.
gnomAD v4.1: 168 of 1,613,742 alleles (0.01%); highest among the groups gnomAD compares: Admixed American, 0.08%; no homozygotes.

Submissions (2):

Ambry Genetics
Classification: Uncertain significance for Inborn genetic diseases. Last evaluated: 2024-09-11. Review status: criteria provided, single submitter. Criteria: Ambry Variant Classification Scheme 2023. Collection method: clinical testing. Allele origin: germline.

Illumina Laboratory Services, Illumina
Classification: Benign for White sponge nevus 1. Last evaluated: 2018-01-13. Review status: criteria provided, single submitter. Criteria: ICSL Variant Classification Criteria 13 December 2019. Collection method: clinical testing. Allele origin: germline.
Comment: This variant was observed in the ICSL laboratory as part of a predisposition screen in an ostensibly healthy population. It had not been previously curated by ICSL or reported in the Human Gene Mutation Database (HGMD: prior to June 1st, 2018), and was therefore a candidate for classification through an automated scoring system. Utilizing variant allele frequency, disease prevalence and penetrance estimates, and inheritance mode, an automated score was calculated to assess if this variant is too frequent to cause the disease. Based on the score and internal cut-off values, a variant classified as benign is not then subjected to further curation. The score for this variant resulted in a classification of benign for this disease.